The following is an entry in ClinVar:

ClinVar aggregate classification (germline): Uncertain significance (1 of 4 stars; one submission).

Conditions:
Combined oxidative phosphorylation defect type 17. Also called: Combined oxidative phosphorylation deficiency 17. Identifiers: Orphanet 369913, MedGen C3809526, MONDO:0014190, OMIM 615440.

Submission:

Baylor Genetics
Classification: Uncertain significance for Combined oxidative phosphorylation defect type 17. Last evaluated: 2020-01-20. Review status: criteria provided, single submitter. Criteria: ACMG Guidelines, 2015. Collection method: clinical testing. Allele origin: unknown. Affected: yes.
Comment: This variant was determined to be of uncertain significance according to ACMG Guidelines, 2015 [PMID:25741868].

NM_018127.7(ELAC2):c.595A>G (p.Ser199Gly)

Gene: ELAC2 (elaC ribonuclease Z 2; minus strand). Cytogenetic location: 17p12.
Variant type: single nucleotide variant.
Coding change: c.595A>G on transcript NM_018127.7 (MANE Select); coding-DNA position 595, A replaced by G.
Protein change: p.Ser199Gly; replaces serine 199 with glycine.
Molecular consequence: missense variant. On other transcripts: intron variant (1).
Genome position (GRCh38, 1-based): chr17:13,011,747, T>C on the plus strand (A>G on the coding strand, the complement: ELAC2 is on the minus strand). VCF-style: chr17-13011747-T-C. GRCh37 (hg19) VCF-style: chr17-12915064-T-C.
Other names: c.595A>G, p.Ser199Gly (NM_173717.2); c.560-1076A>G (NM_001165962.2); short protein forms S199G.
Identifiers: ClinVar variation 1029515 (VCV001029515.1), dbSNP rs1693923229, ClinGen allele CA398217542.
Genomic context (GRCh38, chr17:13,011,747, plus strand): 5'-CATTCGACTCGGAGTCTGAAGATCGCTCTGGACTGAGCCTGCTGAGAGGCCTTTCTGGAC[T>C]CTGCCATGGTTGGTGCTTTCCCCTCCTCTGTTCACCTGGTCAGTACAGATACCACCAAAT-3'
Protein context (NP_060597.4, residues 189-209): QRRGKHQPWQ[Ser199Gly]PERPLSRLSP